The following is an entry in ClinVar:

NM_201253.3(CRB1):c.1471G>A (p.Asp491Asn)

Gene: CRB1 (crumbs cell polarity complex component 1; plus strand). Cytogenetic location: 1q31.3.
Variant type: single nucleotide variant.
Coding change: c.1471G>A on transcript NM_201253.3 (MANE Select); coding-DNA position 1471, G replaced by A.
Protein change: p.Asp491Asn; replaces aspartic acid 491 with asparagine.
Molecular consequence: missense variant. On other transcripts: non-coding transcript variant (2).
Genome position (GRCh38, 1-based): chr1:197,421,299, G>A. VCF-style: chr1-197421299-G-A. GRCh37 (hg19) VCF-style: chr1-197390429-G-A.
Other names: c.1135G>A, p.Asp379Asn (NM_001193640.2); c.1264G>A, p.Asp422Asn (NM_001257965.2); c.1471G>A, p.Asp491Asn (NM_001257966.2); short protein forms D379N, D422N, D491N.
Identifiers: ClinVar variation 1426475 (VCV001426475.8), dbSNP rs937362854, ClinGen allele CA35893542.

ClinVar aggregate classification (germline): Uncertain significance. Review status: criteria provided, multiple submitters, no conflicts (2 of 4 stars). 7 submissions from 5 submitters: Uncertain significance (7). Last evaluated 2023-04-11.

Conditions:
Leber congenital amaurosis 8 (LCA8). Identifiers: Orphanet 65, MedGen C3151202, MONDO:0013453, OMIM 613835.
Retinitis pigmentosa 12 (RP12). Also called: RP WITH OR WITHOUT PRESERVED PARAARTERIOLE RETINAL PIGMENT EPITHELIUM; RETINITIS PIGMENTOSA WITH OR WITHOUT PARAARTERIOLAR PRESERVATION OF RETINAL PIGMENT EPITHELIUM; RP WITH OR WITHOUT PPRPE. Identifiers: Orphanet 791, MedGen C1838647, MONDO:0010818, OMIM 600105.
Pigmented paravenous retinochoroidal atrophy. Identifiers: Orphanet 251295, MedGen C1868310, MONDO:0008246, OMIM 172870.

Allele frequency attached by ClinVar (database versions not stated): gnomAD exomes 0.00001; TOPMed 0.00003; gnomAD 0.00006 and 0.00007; 1000 Genomes Project 30x 0.00016.
gnomAD v4.1: 29 of 1,614,182 alleles (0.0018%); highest among the groups gnomAD compares: African/African-American, 0.008%; no homozygotes.

Submissions (7):

Genome-Nilou Lab
Classification: Uncertain significance for Leber congenital amaurosis 8. Last evaluated: 2023-04-11. Review status: criteria provided, single submitter. Criteria: ACMG Guidelines, 2015. Collection method: clinical testing. Allele origin: germline. Affected: no.

Genome-Nilou Lab
Classification: Uncertain significance for Pigmented paravenous retinochoroidal atrophy. Last evaluated: 2023-04-11. Review status: criteria provided, single submitter. Criteria: ACMG Guidelines, 2015. Collection method: clinical testing. Allele origin: germline. Affected: no.

Genome-Nilou Lab
Classification: Uncertain significance for Retinitis pigmentosa 12. Last evaluated: 2023-04-11. Review status: criteria provided, single submitter. Criteria: ACMG Guidelines, 2015. Collection method: clinical testing. Allele origin: germline. Affected: no.

Labcorp Genetics (formerly Invitae), Labcorp
Classification: Uncertain significance for Leber congenital amaurosis 8; Retinitis pigmentosa 12. Last evaluated: 2022-08-16. Review status: criteria provided, single submitter. Criteria: Invitae Variant Classification Sherloc (09022015). Collection method: clinical testing. Allele origin: germline.
Comment: This sequence change replaces aspartic acid, which is acidic and polar, with asparagine, which is neutral and polar, at codon 491 of the CRB1 protein (p.Asp491Asn). This variant is present in population databases (no rsID available, gnomAD 0.03%). This variant has not been reported in the literature in individuals affected with CRB1-related conditions. ClinVar contains an entry for this variant (Variation ID: 1426475). Advanced modeling of protein sequence and biophysical properties (such as structural, functional, and spatial information, amino acid conservation, physicochemical variation, residue mobility, and thermodynamic stability) performed at Invitae indicates that this missense variant is not expected to disrupt CRB1 protein function. In summary, the available evidence is currently insufficient to determine the role of this variant in disease. Therefore, it has been classified as a Variant of Uncertain Significance.

Revvity Omics, Revvity
Classification: Uncertain significance. Last evaluated: 2022-04-28. Review status: criteria provided, single submitter. Criteria: ACMG Guidelines, 2015. Collection method: clinical testing. Allele origin: germline.

Fulgent Genetics
Classification: Uncertain significance for Pigmented paravenous retinochoroidal atrophy; Retinitis pigmentosa 12; Leber congenital amaurosis 8. Last evaluated: 2021-12-08. Review status: criteria provided, single submitter. Criteria: ACMG Guidelines, 2015. Collection method: clinical testing. Allele origin: unknown.

Blueprint Genetics
Classification: Uncertain significance. Last evaluated: 2020-09-04. Review status: criteria provided, single submitter. Criteria: ACMG Guidelines, 2015. Collection method: clinical testing. Allele origin: germline.